The following is an entry in ClinVar:

ClinVar aggregate classification (germline): Uncertain significance. Review status: criteria provided, multiple submitters, no conflicts (2 of 4 stars). 2 submissions from 2 submitters: Uncertain significance (2). Last evaluated 2026-09-02.

Conditions:
Gorlin syndrome. Also called: Basal cell nevus syndrome; Nevoid Basal Cell Carcinoma Syndrome. Identifiers: Orphanet 377, MedGen C0004779, MONDO:0007187.
Hereditary cancer-predisposing syndrome. Also called: Tumor predisposition; Hereditary neoplastic syndrome; Hereditary Cancer Syndrome; Neoplastic Syndromes, Hereditary. Identifiers: Orphanet 140162, MedGen C0027672, MeSH D009386, MONDO:0015356.

gnomAD v4.1: 1 of 1,614,070 alleles (0.000062%); highest among the groups gnomAD compares: Non-Finnish European, 0.000085%; no homozygotes.

Submissions (2):

Ambry Genetics
Classification: Uncertain significance for Hereditary cancer-predisposing syndrome. Last evaluated: 2026-09-02. Review status: criteria provided, single submitter. Criteria: Ambry Variant Classification Scheme 2023. Collection method: clinical testing. Allele origin: germline.

Labcorp Genetics (formerly Invitae), Labcorp
Classification: Uncertain significance for Gorlin syndrome. Last evaluated: 2024-02-09. Review status: criteria provided, single submitter. Criteria: Invitae Variant Classification Sherloc (09022015). Collection method: clinical testing. Allele origin: germline.
Comment: This sequence change replaces proline, which is neutral and non-polar, with serine, which is neutral and polar, at codon 670 of the PTCH1 protein (p.Pro670Ser). This variant is not present in population databases (gnomAD no frequency). This variant has not been reported in the literature in individuals affected with PTCH1-related conditions. Advanced modeling of protein sequence and biophysical properties (such as structural, functional, and spatial information, amino acid conservation, physicochemical variation, residue mobility, and thermodynamic stability) performed at Invitae indicates that this missense variant is not expected to disrupt PTCH1 protein function with a negative predictive value of 95%. In summary, the available evidence is currently insufficient to determine the role of this variant in disease. Therefore, it has been classified as a Variant of Uncertain Significance.

NM_000264.5(PTCH1):c.2008C>T (p.Pro670Ser)

Genes: PTCH1 (patched 1; minus strand), LOC100507346 (uncharacterized LOC100507346; plus strand). Cytogenetic location: 9q22.32.
Variant type: single nucleotide variant.
Coding change: c.2008C>T on transcript NM_000264.5 (MANE Select); coding-DNA position 2008, C replaced by T.
Protein change: p.Pro670Ser; replaces proline 670 with serine.
Molecular consequence: missense variant. On other transcripts: non-coding transcript variant (2).
Genome position (GRCh38, 1-based): chr9:95,468,993, G>A on the plus strand (C>T on the coding strand, the complement: PTCH1 is on the minus strand). VCF-style: chr9-95468993-G-A. GRCh37 (hg19) VCF-style: chr9-98231275-G-A.
Other names: c.1810C>T, p.Pro604Ser (NM_001083602.3); c.2005C>T, p.Pro669Ser (NM_001083603.3); c.1555C>T, p.Pro519Ser (NM_001083604.3, NM_001083605.3, NM_001083606.3 and 1 more transcripts); c.1852C>T, p.Pro618Ser (NM_001354918.2); short protein forms P618S, P669S, P670S, P604S, P519S.
Identifiers: ClinVar variation 3692739 (VCV003692739.3).